The following is an entry in ClinVar:

NM_005687.5(FARSB):c.501G>T (p.Leu167Phe)

Gene: FARSB (phenylalanyl-tRNA synthetase subunit beta; minus strand). Cytogenetic location: 2q36.1.
Variant type: single nucleotide variant.
Coding change: c.501G>T on transcript NM_005687.5 (MANE Select); coding-DNA position 501, G replaced by T.
Protein change: p.Leu167Phe; replaces leucine 167 with phenylalanine.
Molecular consequence: missense variant. On other transcripts: non-coding transcript variant (1).
Genome position (GRCh38, 1-based): chr2:222,634,496, C>A on the plus strand (G>T on the coding strand, the complement: FARSB is on the minus strand). VCF-style: chr2-222634496-C-A. GRCh37 (hg19) VCF-style: chr2-223499215-C-A.
Other names: short protein forms L167F.
Identifiers: ClinVar variation 1510405 (VCV001510405.8), dbSNP rs758903749, ClinGen allele CA2136640.

ClinVar aggregate classification (germline): Uncertain significance (1 of 4 stars; one submission).

Allele frequency attached by ClinVar (database versions not stated): ExAC 0.00001; TOPMed 0.00002; gnomAD 0.00003 and 0.00004.

Submission:

Labcorp Genetics (formerly Invitae), Labcorp
Classification: Uncertain significance. Last evaluated: 2021-12-03. Review status: criteria provided, single submitter. Criteria: Invitae Variant Classification Sherloc (09022015). Collection method: clinical testing. Allele origin: germline.
Comment: This sequence change replaces leucine, which is neutral and non-polar, with phenylalanine, which is neutral and non-polar, at codon 167 of the FARSB protein (p.Leu167Phe). In summary, the available evidence is currently insufficient to determine the role of this variant in disease. Therefore, it has been classified as a Variant of Uncertain Significance. Algorithms developed to predict the effect of missense changes on protein structure and function are either unavailable or do not agree on the potential impact of this missense change (SIFT: "Deleterious"; PolyPhen-2: "Possibly Damaging"; Align-GVGD: "Class C0"). This variant has not been reported in the literature in individuals affected with FARSB-related conditions. This variant is present in population databases (rs758903749, gnomAD 0.004%).